The following is an entry in ClinVar:

NM_006225.4(PLCD1):c.650C>A (p.Thr217Asn)

Gene: PLCD1 (phospholipase C delta 1; minus strand). Cytogenetic location: 3p22.2.
Variant type: single nucleotide variant.
Coding change: c.650C>A on transcript NM_006225.4 (MANE Select); coding-DNA position 650, C replaced by A.
Protein change: p.Thr217Asn; replaces threonine 217 with asparagine.
Molecular consequence: missense variant. On other transcripts: non-coding transcript variant (1).
Genome position (GRCh38, 1-based): chr3:38,011,354, G>T on the plus strand (C>A on the coding strand, the complement: PLCD1 is on the minus strand). VCF-style: chr3-38011354-G-T. GRCh37 (hg19) VCF-style: chr3-38052845-G-T.
Other names: c.713C>A, p.Thr238Asn (NM_001130964.2); short protein forms T217N, T238N.
Identifiers: ClinVar variation 1049906 (VCV001049906.1), dbSNP rs116413867, ClinGen allele CA2313327.

ClinVar aggregate classification (germline): Uncertain significance (0 of 4 stars; one submission).

Allele frequency attached by ClinVar (database versions not stated): ExAC 0.00026; 1000 Genomes Project 30x 0.00094; ESP Exome Variant Server 0.00108; TOPMed 0.00109; 1000 Genomes Project 0.00120.

Submission:

Department of Pathology and Laboratory Medicine, Sinai Health System
Classification: Uncertain significance. Review status: no assertion criteria provided. Collection method: clinical testing. Allele origin: unknown. Affected: yes. Study: The Canadian Open Genetics Repository (COGR).
Comment: The PLCD1 p.Thr238Asn variant was not identified in the literature nor was it identified in ClinVar or LOVD 3.0. The variant was identified in dbSNP (ID: rs116413867) and in control databases in 78 of 282668 chromosomes at a frequency of 0.0002759 (Genome Aggregation Database March 6, 2019, v2.1.1). The variant was observed in the following populations: African in 76 of 24934 chromosomes (freq: 0.003048), South Asian in 1 of 30616 chromosomes (freq: 0.000033) and European (non-Finnish) in 1 of 129028 chromosomes (freq: 0.000008), but was not observed in the Latino, Ashkenazi Jewish, East Asian, European (Finnish), or Other populations. The p.Thr238 residue is not conserved in mammals and four out of five computational analyses (PolyPhen-2, SIFT, AlignGVGD, BLOSUM, MutationTaster) do not suggest a high likelihood of impact to the protein; however, this information is not predictive enough to rule out pathogenicity. The variant occurs outside of the splicing consensus sequence and in silico or computational prediction software programs (SpliceSiteFinder, MaxEntScan, NNSPLICE, GeneSplicer) do not predict a difference in splicing. In summary, based on the above information the clinical significance of this variant cannot be determined with certainty at this time. This variant is classified as a variant of uncertain significance.